The following is an entry in ClinVar:

ClinVar aggregate classification (germline): Uncertain significance (1 of 4 stars; one submission).

Conditions:
H syndrome. Also called: HISTIOCYTOSIS AND LYMPHADENOPATHY WITH OR WITHOUT CUTANEOUS, CARDIAC, AND/OR ENDOCRINE FEATURES, JOINT CONTRACTURES, AND/OR DEAFNESS; HYPERPIGMENTATION, CUTANEOUS, WITH HYPERTRICHOSIS, HEPATOSPLENOMEGALY, HEART ANOMALIES, AND HYPOGONADISM WITH OR WITHOUT HEARING LOSS; PIGMENTED HYPERTRICHOSIS WITH INSULIN-DEPENDENT DIABETES MELLITUS; ROSAI-DORFMAN DISEASE, FAMILIAL; SINUS HISTIOCYTOSIS AND MASSIVE LYMPHADENOPATHY; Hyperpigmentation, Cutaneous, with Hypertrichosis, Hepatosplenomegaly, Heart Anomalies, Hearing Loss, and Hypogonadism. Identifiers: Orphanet 168569, MedGen C1864445, MONDO:0011273, OMIM 602782.

Submission:

Labcorp Genetics (formerly Invitae), Labcorp
Classification: Uncertain significance for H syndrome. Last evaluated: 2025-09-13. Review status: criteria provided, single submitter. Criteria: Invitae Variant Classification Sherloc (09022015). Collection method: clinical testing. Allele origin: germline.
Comment: This sequence change replaces serine, which is neutral and polar, with cysteine, which is neutral and slightly polar, at codon 192 of the SLC29A3 protein (p.Ser192Cys). This variant is not present in population databases (gnomAD no frequency). This variant has not been reported in the literature in individuals affected with SLC29A3-related conditions. Invitae Evidence Modeling of protein sequence and biophysical properties (such as structural, functional, and spatial information, amino acid conservation, physicochemical variation, residue mobility, and thermodynamic stability) indicates that this missense variant is not expected to disrupt SLC29A3 protein function with a negative predictive value of 95%. In summary, the available evidence is currently insufficient to determine the role of this variant in disease. Therefore, it has been classified as a Variant of Uncertain Significance.

NM_018344.6(SLC29A3):c.575C>G (p.Ser192Cys)

Gene: SLC29A3 (solute carrier family 29 member 3; plus strand). Cytogenetic location: 10q22.1.
Variant type: single nucleotide variant.
Coding change: c.575C>G on transcript NM_018344.6 (MANE Select); coding-DNA position 575, C replaced by G.
Protein change: p.Ser192Cys; replaces serine 192 with cysteine.
Molecular consequence: missense variant. On other transcripts: non-coding transcript variant (1).
Genome position (GRCh38, 1-based): chr10:71,351,753, C>G. VCF-style: chr10-71351753-C-G. GRCh37 (hg19) VCF-style: chr10-73111510-C-G.
Other names: c.575C>G, p.Ser192Cys (NM_001174098.2); c.341C>G, p.Ser114Cys (NM_001363518.2); short protein forms S114C, S192C.
Identifiers: ClinVar variation 4709974 (VCV004709974.1).